The following is an entry in ClinVar:

ClinVar aggregate classification (germline): Likely benign (0 of 4 stars; one submission).

Conditions:
ANKRD11-related disorder. Also called: ANKRD11-related condition.

Allele frequency attached by ClinVar (database versions not stated): TOPMed below 0.00001.

Submission:

PreventionGenetics, part of Exact Sciences
Classification: Likely benign for ANKRD11-related condition. Last evaluated: 2020-10-21. Review status: no assertion criteria provided. Collection method: clinical testing. Allele origin: germline.
Comment: This variant is classified as likely benign based on ACMG/AMP sequence variant interpretation guidelines (Richards et al. 2015 PMID: 25741868, with internal and published modifications).

NM_013275.6(ANKRD11):c.3531G>A (p.Lys1177=)

Gene: ANKRD11 (ankyrin repeat domain containing 11; minus strand). Cytogenetic location: 16q24.3.
Variant type: single nucleotide variant.
Coding change: c.3531G>A on transcript NM_013275.6 (MANE Select); coding-DNA position 3531, G replaced by A.
Protein change: p.Lys1177=; no amino-acid change (lysine 1177 retained).
Molecular consequence: synonymous variant.
Genome position (GRCh38, 1-based): chr16:89,283,011, C>T on the plus strand (G>A on the coding strand, the complement: ANKRD11 is on the minus strand). VCF-style: chr16-89283011-C-T. GRCh37 (hg19) VCF-style: chr16-89349419-C-T.
Other names: c.3531G>A, p.Lys1177= (NM_001256182.2, NM_001256183.2).
Identifiers: ClinVar variation 3032656 (VCV003032656.2), dbSNP rs2034391319, ClinGen allele CA497374756.
Genomic context (GRCh38, chr16:89,283,011, plus strand): 5'-TTTGTCTCTCCCCGCGTCGGCAGCCCCTCGGTCCTTTCTCCTGTCTCTGGGCTCCTTGTC[C>T]TTCTGCCTCTCAGGGTGCTGCTTGTCAGAAGACTTCCTGTGTCTGTCGGAGGCATAGGCC-3'
Protein context (NP_037407.4, residues 1167-1187): SSDKQHPERQ[Lys1177=]DKEPRDRRKD